The following is an entry in ClinVar:

ClinVar aggregate classification (germline): Uncertain significance. Review status: criteria provided, multiple submitters, no conflicts (2 of 4 stars). 2 submissions from 2 submitters: Uncertain significance (2). Last evaluated 2024-12-14.

Conditions:
Hereditary cancer-predisposing syndrome. Also called: Neoplastic Syndromes, Hereditary; Tumor predisposition; Hereditary Cancer Syndrome; Hereditary neoplastic syndrome. Identifiers: Orphanet 140162, MedGen C0027672, MeSH D009386, MONDO:0015356.
Gastrointestinal stromal tumor. Also called: Gastrointestinal stromal tumor, somatic; Gastrointestinal stroma tumor. Identifiers: Orphanet 44890, MedGen C0238198, MeSH D046152, MONDO:0011719, OMIM 606764, HP:0100723.

Allele frequency attached by ClinVar (database versions not stated): gnomAD exomes below 0.00001; ExAC 0.00001; ESP Exome Variant Server 0.00008.

Submissions (2):

Ambry Genetics
Classification: Uncertain significance for Hereditary cancer-predisposing syndrome. Last evaluated: 2024-12-14. Review status: criteria provided, single submitter. Criteria: Ambry Variant Classification Scheme 2023. Collection method: clinical testing. Allele origin: germline.
Comment: The p.Q741R variant (also known as c.2222A>G), located in coding exon 15 of the PDGFRA gene, results from an A to G substitution at nucleotide position 2222. The glutamine at codon 741 is replaced by arginine, an amino acid with highly similar properties. This amino acid position is conserved. In addition, this alteration is predicted to be deleterious by in silico analysis. Based on the available evidence, the clinical significance of this variant remains unclear.

Labcorp Genetics (formerly Invitae), Labcorp
Classification: Uncertain significance for Gastrointestinal stromal tumor. Last evaluated: 2018-12-21. Review status: criteria provided, single submitter. Criteria: Invitae Variant Classification Sherloc (09022015). Collection method: clinical testing. Allele origin: germline.
Comment: This variant is present in population databases (rs141704268, ExAC 0.01%). This sequence change replaces glutamine with arginine at codon 741 of the PDGFRA protein (p.Gln741Arg). The glutamine residue is highly conserved and there is a small physicochemical difference between glutamine and arginine. This variant has not been reported in the literature in individuals with PDGFRA-related conditions. Algorithms developed to predict the effect of missense changes on protein structure and function (SIFT, PolyPhen-2, Align-GVGD) all suggest that this variant is likely to be disruptive, but these predictions have not been confirmed by published functional studies and their clinical significance is uncertain. Algorithms developed to predict the effect of sequence changes on RNA splicing suggest that this variant may create or strengthen a splice site, but this prediction has not been confirmed by published transcriptional studies. In summary, the available evidence is currently insufficient to determine the role of this variant in disease. Therefore, it has been classified as a Variant of Uncertain Significance.

NM_006206.6(PDGFRA):c.2222A>G (p.Gln741Arg)

Gene: PDGFRA (platelet derived growth factor receptor alpha; plus strand). Cytogenetic location: 4q12.
Variant type: single nucleotide variant.
Coding change: c.2222A>G on transcript NM_006206.6 (MANE Select); coding-DNA position 2222, A replaced by G.
Protein change: p.Gln741Arg; replaces glutamine 741 with arginine.
Molecular consequence: missense variant.
Genome position (GRCh38, 1-based): chr4:54,280,381, A>G. VCF-style: chr4-54280381-A-G. GRCh37 (hg19) VCF-style: chr4-55146548-A-G.
Other names: c.2222A>G, p.Gln741Arg (NM_001347827.2, NM_001347829.2); c.2297A>G, p.Gln766Arg (NM_001347828.2); c.2261A>G, p.Gln754Arg (NM_001347830.2); short protein forms Q741R, Q754R, Q766R.
Identifiers: ClinVar variation 661910 (VCV000661910.10), dbSNP rs141704268, ClinGen allele CA2922790.
Genomic context (GRCh38, chr4:54,280,381, plus strand): 5'-TTATTTTATCTTTTGAAAACAATGGTGACTACATGGACATGAAGCAGGCTGATACTACAC[A>G]GTATGTCCCCATGCTAGAAAGGAAAGAGGTTTCTAAATATTCCGACATCCAGAGATCACT-3'
Protein context (NP_006197.1, residues 731-751): YMDMKQADTT[Gln741Arg]YVPMLERKEV